The following is an entry in ClinVar:

ClinVar aggregate classification (germline): Conflicting classifications of pathogenicity. Review status: criteria provided, conflicting classifications (1 of 4 stars). 2 submissions from 2 submitters: Uncertain significance (1); Likely benign (1). Last evaluated 2026-06-04.

Conditions:
Renal cell carcinoma. Identifiers: Orphanet 217071, MedGen C0007134, MeSH D002292, MONDO:0005086, HP:0005584.
Hereditary cancer-predisposing syndrome. Also called: Tumor predisposition; Hereditary Cancer Syndrome; Hereditary neoplastic syndrome; Neoplastic Syndromes, Hereditary. Identifiers: Orphanet 140162, MedGen C0027672, MeSH D009386, MONDO:0015356.

gnomAD v4.1: 1 of 1,614,052 alleles (0.000062%); highest among the groups gnomAD compares: Non-Finnish European, 0.000085%; no homozygotes.

Submissions (2):

Ambry Genetics
Classification: Likely benign for Hereditary cancer-predisposing syndrome. Last evaluated: 2026-06-04. Review status: criteria provided, single submitter. Criteria: Ambry Variant Classification Scheme 2023. Collection method: clinical testing. Allele origin: germline.

Labcorp Genetics (formerly Invitae), Labcorp
Classification: Uncertain significance for Renal cell carcinoma. Last evaluated: 2025-01-17. Review status: criteria provided, single submitter. Criteria: Invitae Variant Classification Sherloc (09022015). Collection method: clinical testing. Allele origin: germline.
Comment: This sequence change replaces glycine, which is neutral and non-polar, with alanine, which is neutral and non-polar, at codon 471 of the MET protein (p.Gly471Ala). This variant is present in population databases (rs373312981, gnomAD 0.0009%). This variant has not been reported in the literature in individuals affected with MET-related conditions. ClinVar contains an entry for this variant (Variation ID: 2453392). An algorithm developed to predict the effect of missense changes on protein structure and function outputs the following: PolyPhen-2: "Benign". The alanine amino acid residue is found in multiple mammalian species, which suggests that this missense change does not adversely affect protein function. In summary, the available evidence is currently insufficient to determine the role of this variant in disease. Therefore, it has been classified as a Variant of Uncertain Significance.

NM_000245.4(MET):c.1412G>C (p.Gly471Ala)

Gene: MET (MET proto-oncogene, receptor tyrosine kinase; plus strand). Cytogenetic location: 7q31.2.
Variant type: single nucleotide variant.
Coding change: c.1412G>C on transcript NM_000245.4 (MANE Select); coding-DNA position 1412, G replaced by C.
Protein change: p.Gly471Ala; replaces glycine 471 with alanine.
Molecular consequence: missense variant.
Genome position (GRCh38, 1-based): chr7:116,739,969, G>C. VCF-style: chr7-116739969-G-C. GRCh37 (hg19) VCF-style: chr7-116380023-G-C.
Other names: c.1412G>C, p.Gly471Ala (NM_001127500.3, NM_001324401.3); c.122G>C, p.Gly41Ala (NM_001324402.2); short protein forms G41A, G471A.
Identifiers: ClinVar variation 2453392 (VCV002453392.5), dbSNP rs373312981, ClinGen allele CA4448161.